The following is an entry in ClinVar:

ClinVar aggregate classification (germline): Likely pathogenic. Review status: criteria provided, single submitter (1 of 4 stars). 2 submissions from 2 submitters: Likely pathogenic (1). 1 of the submissions does not count toward it. Last evaluated 2023-03-20.

Conditions:
CACNA1B-related disorder. Also called: CACNA1B-related condition.

Submissions (2):

Labcorp Genetics (formerly Invitae), Labcorp
Classification: Likely pathogenic. Last evaluated: 2023-03-20. Review status: criteria provided, single submitter. Criteria: Invitae Variant Classification Sherloc (09022015). Collection method: clinical testing. Allele origin: germline.
Comment: In summary, the currently available evidence indicates that the variant is pathogenic, but additional data are needed to prove that conclusively. Therefore, this variant has been classified as Likely Pathogenic. Algorithms developed to predict the effect of sequence changes on RNA splicing suggest that this variant may disrupt the consensus splice site. This variant has not been reported in the literature in individuals affected with CACNA1B-related conditions. This variant is not present in population databases (gnomAD no frequency). This sequence change affects a donor splice site in intron 26 of the CACNA1B gene. It is expected to disrupt RNA splicing. Variants that disrupt the donor or acceptor splice site typically lead to a loss of protein function (PMID: 16199547), and loss-of-function variants in CACNA1B are known to be pathogenic (PMID: 30982612).

PreventionGenetics, part of Exact Sciences
Classification: Likely pathogenic for CACNA1B-related condition. Last evaluated: 2024-01-31. Review status: no assertion criteria provided. Collection method: clinical testing. Allele origin: germline. Not counted in ClinVar's aggregate classification.
Comment: The CACNA1B c.3968+1G>A variant is predicted to disrupt the GT donor site and interfere with normal splicing. To our knowledge, this variant has not been reported in the literature or in a large population database, indicating this variant is rare. Variants that disrupt the consensus splice donor site in CACNA1B are expected to be pathogenic. This variant is interpreted as likely pathogenic.

Literature cited by the submitters: PubMed 16199547 (cited by Labcorp Genetics (formerly Invitae), Labcorp); PubMed 30982612 (cited by Labcorp Genetics (formerly Invitae), Labcorp).

NM_000718.4(CACNA1B):c.3968+1G>A

Gene: CACNA1B (calcium voltage-gated channel subunit alpha1 B; plus strand). Cytogenetic location: 9q34.3.
Variant type: single nucleotide variant.
Coding change: c.3968+1G>A on transcript NM_000718.4 (MANE Select); the canonical splice donor site of the intron after coding-DNA position 3968, G replaced by A.
Molecular consequence: splice donor variant.
Genome position (GRCh38, 1-based): chr9:138,054,007, G>A. VCF-style: chr9-138054007-G-A. GRCh37 (hg19) VCF-style: chr9-140948459-G-A.
Other names: c.3968+1G>A (NM_001243812.2, NM_000718.3).
Identifiers: ClinVar variation 2776051 (VCV002776051.5), dbSNP rs2539447975, ClinGen allele CA375813089.